The following is an entry in ClinVar:

ClinVar aggregate classification (germline): Uncertain significance. Review status: criteria provided, multiple submitters, no conflicts (2 of 4 stars). 3 submissions from 3 submitters: Uncertain significance (3). Last evaluated 2026-02-03.

Conditions:
Myofibrillar myopathy 4. Also called: Zaspopathy (type). Identifiers: Orphanet 98912, MedGen C4721886, MONDO:0012277, OMIM 609452.

Submissions (3):

GeneDx
Classification: Uncertain significance. Last evaluated: 2026-02-03. Review status: criteria provided, single submitter. Criteria: GeneDx Variant Classification Process June 2021. Collection method: clinical testing. Allele origin: germline.
Comment: Not observed at significant frequency in large population cohorts (gnomAD); In silico analysis supports that this missense variant has a deleterious effect on protein structure/function; Has not been previously published as pathogenic or benign to our knowledge; Reported using an alternate transcript of the gene

Labcorp Genetics (formerly Invitae), Labcorp
Classification: Uncertain significance for Myofibrillar myopathy 4. Last evaluated: 2026-01-12. Review status: criteria provided, single submitter. Criteria: Invitae Variant Classification Sherloc (09022015). Collection method: clinical testing. Allele origin: germline.
Comment: The LDB3 gene has multiple clinically relevant transcripts. This variant occurs in alternate transcript NM_007078.3, and corresponds to NM_001080116.1:c.*33570T>G in the primary transcript. This sequence change replaces cysteine, which is neutral and slightly polar, with glycine, which is neutral and non-polar, at codon 718 of the LDB3 protein (p.Cys718Gly). This variant is not present in population databases (gnomAD no frequency). This variant has not been reported in the literature in individuals affected with LDB3-related conditions. Experimental studies and prediction algorithms are not available or were not evaluated, and the functional significance of this variant is currently unknown. In summary, the available evidence is currently insufficient to determine the role of this variant in disease. Therefore, it has been classified as a Variant of Uncertain Significance.

AiLife Diagnostics
Classification: Uncertain significance. Last evaluated: 2021-05-28. Review status: criteria provided, single submitter. Criteria: ACMG Guidelines, 2015. Collection method: clinical testing. Allele origin: germline. Affected: yes. Observed: 1 variant allele.

NM_007078.3(LDB3):c.2152T>G (p.Cys718Gly)

Gene: LDB3 (LIM domain binding 3; plus strand). Cytogenetic location: 10q23.2.
Variant type: single nucleotide variant.
Coding change: c.2152T>G on transcript NM_007078.3 (MANE Select); coding-DNA position 2152, T replaced by G.
Protein change: p.Cys718Gly; replaces cysteine 718 with glycine.
Molecular consequence: missense variant.
Genome position (GRCh38, 1-based): chr10:86,732,944, T>G. VCF-style: chr10-86732944-T-G. GRCh37 (hg19) VCF-style: chr10-88492701-T-G.
Other names: c.1822T>G, p.Cys608Gly (NM_001080114.2); c.2167T>G, p.Cys723Gly (NM_001171610.2); c.1963T>G, p.Cys655Gly (NM_001368064.1, NM_001368065.1); c.2011T>G, p.Cys671Gly (NM_001368066.1); short protein forms C608G, C655G, C671G, C718G, C723G.
Identifiers: ClinVar variation 1678402 (VCV001678402.3), dbSNP rs2132517988, ClinGen allele CA377460417.